The following is an entry in ClinVar:

ClinVar aggregate classification (germline): Uncertain significance (1 of 4 stars; one submission).

Conditions:
Inborn genetic diseases. Identifiers: MedGen C0950123, MeSH D030342.

Allele frequency attached by ClinVar (database versions not stated): gnomAD exomes below 0.00001.
gnomAD v4.1: 4 of 1,610,856 alleles (0.00025%); highest among the groups gnomAD compares: Admixed American, 0.0017%; no homozygotes.

Submission:

Ambry Genetics
Classification: Uncertain significance for Inborn genetic diseases. Last evaluated: 2022-07-07. Review status: criteria provided, single submitter. Criteria: Ambry Variant Classification Scheme 2023. Collection method: clinical testing. Allele origin: germline.
Comment: The p.S895R variant (also known as c.2685T>G), located in coding exon 20 of the LRRK2 gene, results from a T to G substitution at nucleotide position 2685. The serine at codon 895 is replaced by arginine, an amino acid with dissimilar properties. This amino acid position is conserved. In addition, the in silico prediction for this alteration is inconclusive. Since supporting evidence is limited at this time, the clinical significance of this alteration remains unclear.

NM_198578.4(LRRK2):c.2685T>G (p.Ser895Arg)

Gene: LRRK2 (leucine rich repeat kinase 2; plus strand). Cytogenetic location: 12q12.
Variant type: single nucleotide variant.
Coding change: c.2685T>G on transcript NM_198578.4 (MANE Select); coding-DNA position 2685, T replaced by G.
Protein change: p.Ser895Arg; replaces serine 895 with arginine.
Molecular consequence: missense variant.
Genome position (GRCh38, 1-based): chr12:40,287,535, T>G. VCF-style: chr12-40287535-T-G. GRCh37 (hg19) VCF-style: chr12-40681337-T-G.
Other names: short protein forms S895R.
Identifiers: ClinVar variation 1794722 (VCV001794722.2), dbSNP rs2499680728, ClinGen allele CA384409291.